The following is an entry in ClinVar:

ClinVar aggregate classification (germline): Uncertain significance. Review status: criteria provided, multiple submitters, no conflicts (2 of 4 stars). 3 submissions from 3 submitters: Uncertain significance (3). Last evaluated 2025-09-25.

Allele frequency attached by ClinVar (database versions not stated): TOPMed 0.00001; ESP Exome Variant Server 0.00008; ExAC 0.00002.
gnomAD v4.1: 41 of 1,613,852 alleles (0.0025%); highest among the groups gnomAD compares: Admixed American, 0.0033%; no homozygotes.

Submissions (3):

Ambry Genetics
Classification: Uncertain significance. Last evaluated: 2025-09-25. Review status: criteria provided, single submitter. Criteria: Ambry Variant Classification Scheme 2023. Collection method: clinical testing. Allele origin: germline.

Labcorp Genetics (formerly Invitae), Labcorp
Classification: Uncertain significance. Last evaluated: 2022-10-04. Review status: criteria provided, single submitter. Criteria: Invitae Variant Classification Sherloc (09022015). Collection method: clinical testing. Allele origin: germline.
Comment: ClinVar contains an entry for this variant (Variation ID: 215167). In summary, the available evidence is currently insufficient to determine the role of this variant in disease. Therefore, it has been classified as a Variant of Uncertain Significance. Algorithms developed to predict the effect of missense changes on protein structure and function are either unavailable or do not agree on the potential impact of this missense change (SIFT: "Deleterious"; PolyPhen-2: "Probably Damaging"; Align-GVGD: "Class C0"). This variant has not been reported in the literature in individuals affected with SLC25A3-related conditions. This variant is present in population databases (rs11544657, gnomAD 0.006%). This sequence change replaces valine, which is neutral and non-polar, with methionine, which is neutral and non-polar, at codon 336 of the SLC25A3 protein (p.Val336Met).

GeneDx
Classification: Uncertain significance. Last evaluated: 2012-05-23. Review status: criteria provided, single submitter. Criteria: GeneDx Variant Classification (06012015). Collection method: clinical testing. Allele origin: germline. Affected: yes.
Comment: p.Val336Met (GTG>ATG): c.1006 G>A in exon 8 of the SLC25A3 gene (NM_005888.3). The V336M missense change variant of unknown significance in the SLC25A3 gene has not been published as a mutation, nor has it been reported as a benign polymorphism to our knowledge. The amino acid change is conservative, but it occurs at a highly conserved position in the SLC25A3 protein. Multiple in-silico analysis models predict that V336M is damaging to the SLC25A3 protein. Therefore, based on the currently available information it is unclear whether V336M is a disease-causing mutation or a rare benign variant. The variant is found in MITONUC-MITOP panel(s).

NM_002635.4(SLC25A3):c.1003G>A (p.Val335Met)

Gene: SLC25A3 (solute carrier family 25 member 3; plus strand). Cytogenetic location: 12q23.1.
Variant type: single nucleotide variant.
Coding change: c.1003G>A on transcript NM_002635.4 (MANE Select); coding-DNA position 1003, G replaced by A.
Protein change: p.Val335Met; replaces valine 335 with methionine.
Molecular consequence: missense variant.
Genome position (GRCh38, 1-based): chr12:98,601,445, G>A. VCF-style: chr12-98601445-G-A. GRCh37 (hg19) VCF-style: chr12-98995223-G-A.
Other names: p.V336M:GTG>ATG; c.1006G>A, p.Val336Met (NM_005888.4); c.1003G>A, p.Val335Met (NM_213611.3); short protein forms V335M, V336M.
Identifiers: ClinVar variation 215167 (VCV000215167.9), dbSNP rs11544657, ClinGen allele CA324476.